The following is an entry in ClinVar:

NM_001037333.3(CYFIP2):c.2212C>T (p.Pro738Ser)

Gene: CYFIP2 (cytoplasmic FMR1 interacting protein 2; plus strand). Cytogenetic location: 5q33.3.
Variant type: single nucleotide variant.
Coding change: c.2212C>T on transcript NM_001037333.3 (MANE Select); coding-DNA position 2212, C replaced by T.
Protein change: p.Pro738Ser; replaces proline 738 with serine.
Molecular consequence: missense variant.
Genome position (GRCh38, 1-based): chr5:157,330,797, C>T. VCF-style: chr5-157330797-C-T. GRCh37 (hg19) VCF-style: chr5-156757805-C-T.
Other names: c.2134C>T, p.Pro712Ser (NM_001291721.2); c.2287C>T, p.Pro763Ser (NM_001291722.2); c.2212C>T, p.Pro738Ser (NM_014376.4); c.2212C>T (NM_001037333.1); short protein forms P738S, P763S, P712S.
Identifiers: ClinVar variation 2007217 (VCV002007217.5), dbSNP rs1660734614, ClinGen allele CA361970972.

ClinVar aggregate classification (germline): Uncertain significance. Review status: criteria provided, multiple submitters, no conflicts (2 of 4 stars). 2 submissions from 2 submitters: Uncertain significance (2). Last evaluated 2024-12-02.

Conditions:
Inborn genetic diseases. Identifiers: MedGen C0950123, MeSH D030342.

Allele frequency attached by ClinVar (database versions not stated): gnomAD exomes 0.00001; TOPMed 0.00001.
gnomAD v4.1: 8 of 1,613,960 alleles (0.0005%); highest among the groups gnomAD compares: Admixed American, 0.0017%; no homozygotes.

Submissions (2):

Labcorp Genetics (formerly Invitae), Labcorp
Classification: Uncertain significance. Last evaluated: 2024-12-02. Review status: criteria provided, single submitter. Criteria: Invitae Variant Classification Sherloc (09022015). Collection method: clinical testing. Allele origin: germline.
Comment: This sequence change replaces proline, which is neutral and non-polar, with serine, which is neutral and polar, at codon 738 of the CYFIP2 protein (p.Pro738Ser). This variant is not present in population databases (gnomAD no frequency). This variant has not been reported in the literature in individuals affected with CYFIP2-related conditions. ClinVar contains an entry for this variant (Variation ID: 2007217). Experimental studies and prediction algorithms are not available or were not evaluated, and the functional significance of this variant is currently unknown. In summary, the available evidence is currently insufficient to determine the role of this variant in disease. Therefore, it has been classified as a Variant of Uncertain Significance.

Ambry Genetics
Classification: Uncertain significance for Inborn genetic diseases. Last evaluated: 2024-07-14. Review status: criteria provided, single submitter. Criteria: Ambry Variant Classification Scheme 2023. Collection method: clinical testing. Allele origin: germline.